The following is an entry in ClinVar:

NM_014875.3(KIF14):c.1570C>T (p.His524Tyr)

Gene: KIF14 (kinesin family member 14; minus strand). Cytogenetic location: 1q32.1.
Variant type: single nucleotide variant.
Coding change: c.1570C>T on transcript NM_014875.3 (MANE Select); coding-DNA position 1570, C replaced by T.
Protein change: p.His524Tyr; replaces histidine 524 with tyrosine.
Molecular consequence: missense variant.
Genome position (GRCh38, 1-based): chr1:200,606,783, G>A on the plus strand (C>T on the coding strand, the complement: KIF14 is on the minus strand). VCF-style: chr1-200606783-G-A. GRCh37 (hg19) VCF-style: chr1-200575911-G-A.
Other names: c.97C>T, p.His33Tyr (NM_001305792.1); c.1570C>T (NM_014875.2); short protein forms H33Y, H524Y.
Identifiers: ClinVar variation 3896219 (VCV003896219.3).
Genomic context (GRCh38, chr1:200,606,783, plus strand): 5'-CCCTTGCTGAGCCAAATACTTACATTGACAGTGCTTCAACATATGGTCCATAAACAGGAT[G>A]TTCCCTCACTCTCAGCTAGAAGAAGCAAATACATGCATCATTAGGAGTATGACAAATATT-3'
Protein context (NP_055690.1, residues 514-534): QRKQPLRVRE[His524Tyr]PVYGPYVEAL

ClinVar aggregate classification (germline): Uncertain significance. Review status: criteria provided, multiple submitters, no conflicts (2 of 4 stars). 2 submissions from 2 submitters: Uncertain significance (2). Last evaluated 2025-06-06.

Conditions:
Inborn genetic diseases. Identifiers: MedGen C0950123, MeSH D030342.

Submissions (2):

Ambry Genetics
Classification: Uncertain significance for Inborn genetic diseases. Last evaluated: 2025-06-06. Review status: criteria provided, single submitter. Criteria: Ambry Variant Classification Scheme 2023. Collection method: clinical testing. Allele origin: germline.

Women's Health and Genetics/Laboratory Corporation of America, LabCorp
Classification: Uncertain significance. Last evaluated: 2025-04-16. Review status: criteria provided, single submitter. Criteria: LabCorp Variant Classification Summary - May 2015. Collection method: clinical testing. Allele origin: germline.
Comment: Variant summary: KIF14 c.1570C>T (p.His524Tyr) results in a conservative amino acid change in the encoded protein sequence. Four of five in-silico tools predict a damaging effect of the variant on protein function. The variant was absent in 251116 control chromosomes. The available data on variant occurrences in the general population are insufficient to allow any conclusion about variant significance. To our knowledge, no occurrence of c.1570C>T in individuals affected with Joubert Syndrome And Related Disorders and no experimental evidence demonstrating its impact on protein function have been reported. No submitters have cited clinical-significance assessments for this variant to ClinVar. Based on the evidence outlined above, the variant was classified as uncertain significance.